The following is an entry in ClinVar:

ClinVar aggregate classification (germline): Uncertain significance. Review status: criteria provided, multiple submitters, no conflicts (2 of 4 stars). 3 submissions from 3 submitters: Uncertain significance (3). Last evaluated 2025-06-24.

Conditions:
Sulfite oxidase deficiency due to molybdenum cofactor deficiency type C. Also called: Molybdenum cofactor deficiency C; Molybdenum cofactor deficiency, complementation group C. Identifiers: Orphanet 308400, Orphanet 833, MedGen C1854990, MONDO:0014212, OMIM 615501.
Inborn genetic diseases. Identifiers: MedGen C0950123, MeSH D030342.

Allele frequency attached by ClinVar (database versions not stated): TOPMed 0.00002; gnomAD exomes 0.00003.
gnomAD v4.1: 85 of 1,557,150 alleles (0.0055%); highest among the groups gnomAD compares: Non-Finnish European, 0.0075%; no homozygotes.

Submissions (3):

Ambry Genetics
Classification: Uncertain significance for Inborn genetic diseases. Last evaluated: 2025-06-24. Review status: criteria provided, single submitter. Criteria: Ambry Variant Classification Scheme 2023. Collection method: clinical testing. Allele origin: germline.

Labcorp Genetics (formerly Invitae), Labcorp
Classification: Uncertain significance for Sulfite oxidase deficiency due to molybdenum cofactor deficiency type C. Last evaluated: 2023-07-25. Review status: criteria provided, single submitter. Criteria: Invitae Variant Classification Sherloc (09022015). Collection method: clinical testing. Allele origin: germline.
Comment: In summary, the available evidence is currently insufficient to determine the role of this variant in disease. Therefore, it has been classified as a Variant of Uncertain Significance. Advanced modeling of protein sequence and biophysical properties (such as structural, functional, and spatial information, amino acid conservation, physicochemical variation, residue mobility, and thermodynamic stability) performed at Invitae indicates that this missense variant is expected to disrupt GPHN protein function. ClinVar contains an entry for this variant (Variation ID: 1035339). This variant has not been reported in the literature in individuals affected with GPHN-related conditions. This variant is present in population databases (no rsID available, gnomAD 0.006%). This sequence change replaces isoleucine, which is neutral and non-polar, with methionine, which is neutral and non-polar, at codon 66 of the GPHN protein (p.Ile66Met).

GeneDx
Classification: Uncertain significance. Last evaluated: 2023-04-26. Review status: criteria provided, single submitter. Criteria: GeneDx Variant Classification Process June 2021. Collection method: clinical testing. Allele origin: germline. Affected: yes.
Comment: In silico analysis supports that this missense variant does not alter protein structure/function; Has not been previously published as pathogenic or benign to our knowledge

NM_020806.5(GPHN):c.198C>G (p.Ile66Met)

Gene: GPHN (gephyrin; plus strand). Cytogenetic location: 14q23.3.
Variant type: single nucleotide variant.
Coding change: c.198C>G on transcript NM_020806.5 (MANE Select); coding-DNA position 198, C replaced by G.
Protein change: p.Ile66Met; replaces isoleucine 66 with methionine.
Molecular consequence: missense variant.
Genome position (GRCh38, 1-based): chr14:66,776,518, C>G. VCF-style: chr14-66776518-C-G. GRCh37 (hg19) VCF-style: chr14-67243236-C-G.
Other names: c.198C>G, p.Ile66Met (NM_001377516.1, NM_001377517.1, NM_001377518.1 and 4 more transcripts); c.198C>G (NM_020806.4); short protein forms I66M.
Identifiers: ClinVar variation 1035339 (VCV001035339.9), dbSNP rs1231315486, ClinGen allele CA390255292.
Genomic context (GRCh38, chr14:66,776,518, plus strand): 5'-TTTCAGGTTGGGTGGGACTATATCAGCATACAAGATAGTACCAGATGAAATAGAAGAAAT[C>G]AAGGTATAGTATGGCATTTTTCACCTCTACAAACATTTAGCATCTTGGTGAGGGGTGGGG-3'
Protein context (NP_065857.1, residues 56-76): YKIVPDEIEE[Ile66Met]KETLIDWCDE